The following is an entry in ClinVar:

NM_000538.4(RFXAP):c.733G>C (p.Val245Leu)

Gene: RFXAP (regulatory factor X associated protein; plus strand). Cytogenetic location: 13q13.3.
Variant type: single nucleotide variant.
Coding change: c.733G>C on transcript NM_000538.4 (MANE Select); coding-DNA position 733, G replaced by C.
Protein change: p.Val245Leu; replaces valine 245 with leucine.
Molecular consequence: missense variant.
Genome position (GRCh38, 1-based): chr13:36,827,667, G>C. VCF-style: chr13-36827667-G-C. GRCh37 (hg19) VCF-style: chr13-37401804-G-C.
Other names: c.733G>C (NM_000538.3); short protein forms V245L.
Identifiers: ClinVar variation 1434822 (VCV001434822.6), dbSNP rs1267840324, ClinGen allele CA387858289.

ClinVar aggregate classification (germline): Uncertain significance. Review status: criteria provided, multiple submitters, no conflicts (2 of 4 stars). 2 submissions from 2 submitters: Uncertain significance (2). Last evaluated 2025-08-10.

Conditions:
MHC class II deficiency. Also called: BLS, TYPE II; Bare lymphocyte syndrome 2. Identifiers: Orphanet 572, MedGen C5447452, MONDO:0008855.

Allele frequency attached by ClinVar (database versions not stated): TOPMed below 0.00001; gnomAD exomes 0.00001 and 0.00002.
gnomAD v4.1: 11 of 1,613,626 alleles (0.00068%); highest among the groups gnomAD compares: South Asian, 0.0022%; no homozygotes.

Submissions (2):

Ambry Genetics
Classification: Uncertain significance. Last evaluated: 2025-08-10. Review status: criteria provided, single submitter. Criteria: Ambry Variant Classification Scheme 2023. Collection method: clinical testing. Allele origin: germline.

Labcorp Genetics (formerly Invitae), Labcorp
Classification: Uncertain significance for MHC class II deficiency. Last evaluated: 2022-10-18. Review status: criteria provided, single submitter. Criteria: Invitae Variant Classification Sherloc (09022015). Collection method: clinical testing. Allele origin: germline.
Comment: This sequence change replaces valine, which is neutral and non-polar, with leucine, which is neutral and non-polar, at codon 245 of the RFXAP protein (p.Val245Leu). This variant is present in population databases (no rsID available, gnomAD 0.004%). This variant has not been reported in the literature in individuals affected with RFXAP-related conditions. ClinVar contains an entry for this variant (Variation ID: 1434822). Advanced modeling of protein sequence and biophysical properties (such as structural, functional, and spatial information, amino acid conservation, physicochemical variation, residue mobility, and thermodynamic stability) performed at Invitae indicates that this missense variant is not expected to disrupt RFXAP protein function. In summary, the available evidence is currently insufficient to determine the role of this variant in disease. Therefore, it has been classified as a Variant of Uncertain Significance.